The following is an entry in ClinVar:

NM_022455.5(NSD1):c.7046_7048del (p.Pro2349del)

Gene: NSD1 (nuclear receptor binding SET domain protein 1; plus strand). Cytogenetic location: 5q35.3.
Variant type: Deletion.
Coding change: c.7046_7048del on transcript NM_022455.5 (MANE Select); coding-DNA positions 7046 to 7048, 3 bases deleted (CAC; older notation c.7046_7048delCAC).
Protein change: p.Pro2349del; deletes proline 2349.
Molecular consequence: inframe deletion.
Genome position (GRCh38, 1-based): chr5:177,294,414-177,294,416, CAC deleted; deleting any 3 consecutive bases within chr5:177,294,412-177,294,416 gives the same sequence; the c. name uses the placement nearest the transcript's 3' end. VCF-style (leftmost placement, unchanged base first): chr5-177294411-AACC-A. GRCh37 (hg19) VCF-style: chr5-176721412-AACC-A.
Other names: c.6173_6175del, p.Pro2058del (NM_001365684.2, NM_001409308.1, NM_172349.5); c.7046_7048del, p.Pro2349del (NM_001409301.1, NM_001409302.1, NM_001409303.1); c.6626_6628del, p.Pro2209del (NM_001409304.1); c.6293_6295del, p.Pro2098del (NM_001409305.1); c.6284_6286del, p.Pro2095del (NM_001409306.1, NM_001409307.1); c.5924_5926del, p.Pro1975del (NM_001409309.1); short protein forms P1975del, P2058del, P2095del, P2098del, P2209del, P2349del.
Identifiers: ClinVar variation 3357845 (VCV003357845.3).

ClinVar aggregate classification (germline): Uncertain significance. Review status: criteria provided, single submitter (1 of 4 stars). 2 submissions from 2 submitters: Uncertain significance (1). 1 of the submissions does not count toward it. Last evaluated 2023-12-21.

Conditions:
NSD1-related disorder. Also called: NSD1-related condition.

Submissions (2):

Labcorp Genetics (formerly Invitae), Labcorp
Classification: Uncertain significance. Last evaluated: 2023-12-21. Review status: criteria provided, single submitter. Criteria: Invitae Variant Classification Sherloc (09022015). Collection method: clinical testing. Allele origin: germline.
Comment: This variant, c.7046_7048del, results in the deletion of 1 amino acid(s) of the NSD1 protein (p.Pro2349del), but otherwise preserves the integrity of the reading frame. This variant is present in population databases (rs766845666, gnomAD 0.03%). This variant has not been reported in the literature in individuals affected with NSD1-related conditions. Experimental studies and prediction algorithms are not available or were not evaluated, and the functional significance of this variant is currently unknown. In summary, the available evidence is currently insufficient to determine the role of this variant in disease. Therefore, it has been classified as a Variant of Uncertain Significance.

PreventionGenetics, part of Exact Sciences
Classification: Likely benign for NSD1-related condition. Last evaluated: 2024-06-16. Review status: no assertion criteria provided. Collection method: clinical testing. Allele origin: germline. Not counted in ClinVar's aggregate classification.
Comment: This variant is classified as likely benign based on ACMG/AMP sequence variant interpretation guidelines (Richards et al. 2015 PMID: 25741868, with internal and published modifications).